The following is an entry in ClinVar:

ClinVar aggregate classification (germline): Conflicting classifications of pathogenicity. Review status: criteria provided, conflicting classifications (1 of 4 stars). 3 submissions from 3 submitters: Uncertain significance (2); Likely benign (1). Last evaluated 2025-11-25.

Conditions:
Autoinflammatory syndrome. Identifiers: Orphanet 93665, MedGen C3890737, MONDO:0019751.
STING-associated vasculopathy with onset in infancy. Also called: Sting-associated vasculopathy, infantile-onset. Identifiers: Orphanet 425120, MedGen C4014722, MONDO:0014405, OMIM 615934.

Allele frequency attached by ClinVar (database versions not stated): gnomAD 0.00001; gnomAD exomes 0.00001 and 0.00004; ExAC 0.00003; TOPMed 0.00005; ESP Exome Variant Server 0.00008.
gnomAD v4.1: 25 of 1,613,870 alleles (0.0015%); highest among the groups gnomAD compares: Middle Eastern, 0.017%; no homozygotes.

Submissions (3):

Labcorp Genetics (formerly Invitae), Labcorp
Classification: Uncertain significance for STING-associated vasculopathy with onset in infancy. Last evaluated: 2025-11-25. Review status: criteria provided, single submitter. Criteria: Invitae Variant Classification Sherloc (09022015). Collection method: clinical testing. Allele origin: germline.
Comment: This sequence change falls in intron 4 of the TMEM173 gene. It does not directly change the encoded amino acid sequence of the TMEM173 protein. It affects a nucleotide within the consensus splice site. This variant is present in population databases (rs375733291, gnomAD 0.01%). This variant has not been reported in the literature in individuals affected with TMEM173-related conditions. ClinVar contains an entry for this variant (Variation ID: 1694181). Variants that disrupt the consensus splice site are a relatively common cause of aberrant splicing (PMID: 17576681, 9536098). Algorithms developed to predict the effect of sequence changes on RNA splicing suggest that this variant is not likely to affect RNA splicing. In summary, the available evidence is currently insufficient to determine the role of this variant in disease. Therefore, it has been classified as a Variant of Uncertain Significance.

Blueprint Genetics
Classification: Likely benign. Last evaluated: 2024-10-15. Review status: criteria provided, single submitter. Criteria: ACMG Guidelines, 2015. Collection method: clinical testing. Allele origin: germline.

Genome Diagnostics Laboratory, The Hospital for Sick Children
Classification: Uncertain significance for Autoinflammatory syndrome. Last evaluated: 2019-06-01. Review status: criteria provided, single submitter. Criteria: ACMG Guidelines, 2015. Collection method: clinical testing. Allele origin: germline. Affected: yes.

Literature cited by the submitters: PubMed 17576681 (cited by Labcorp Genetics (formerly Invitae), Labcorp); PubMed 9536098 (cited by Labcorp Genetics (formerly Invitae), Labcorp).

NM_198282.4(STING1):c.411+4T>C

Genes: STING1 (stimulator of interferon response cGAMP interactor 1; minus strand), LOC123522803 (Sharpr-MPRA regulatory region 11914; plus strand). Cytogenetic location: 5q31.2.
Variant type: single nucleotide variant.
Coding change: c.411+4T>C on transcript NM_198282.4 (MANE Select); 4 bases into the intron after coding-DNA position 411, T replaced by C.
Molecular consequence: intron variant.
Genome position (GRCh38, 1-based): chr5:139,481,155, A>G on the plus strand (T>C on the coding strand, the complement: STING1 is on the minus strand). VCF-style: chr5-139481155-A-G. GRCh37 (hg19) VCF-style: chr5-138860740-A-G.
Other names: c.54+4T>C (NM_001367258.1); c.411+4T>C (NM_001301738.2).
Identifiers: ClinVar variation 1694181 (VCV001694181.7), dbSNP rs375733291, ClinGen allele CA3435424.